The following is an entry in ClinVar:

ClinVar aggregate classification (germline): Uncertain significance. Review status: criteria provided, single submitter (1 of 4 stars). 2 submissions from 2 submitters: Uncertain significance (1). 1 of the submissions does not count toward it. Last evaluated 2019-02-23.

Submissions (2):

Labcorp Genetics (formerly Invitae), Labcorp
Classification: Uncertain significance. Last evaluated: 2019-02-23. Review status: criteria provided, single submitter. Criteria: Invitae Variant Classification Sherloc (09022015). Collection method: clinical testing. Allele origin: germline.
Comment: This sequence change replaces proline with serine at codon 295 of the NTHL1 protein (p.Pro295Ser). The proline residue is moderately conserved and there is a moderate physicochemical difference between proline and serine. This variant is not present in population databases (ExAC no frequency). This variant has not been reported in the literature in individuals with NTHL1-related conditions. Algorithms developed to predict the effect of missense changes on protein structure and function are either unavailable or do not agree on the potential impact of this missense change (SIFT: "Deleterious"; PolyPhen-2: "Probably Damaging"; Align-GVGD: "Class C0"). In summary, the available evidence is currently insufficient to determine the role of this variant in disease. Therefore, it has been classified as a Variant of Uncertain Significance.

Department of Pathology and Laboratory Medicine, Sinai Health System
Classification: Uncertain significance. Review status: no assertion criteria provided. Collection method: clinical testing. Allele origin: unknown. Affected: yes. Study: The Canadian Open Genetics Repository (COGR). Not counted in ClinVar's aggregate classification.
Comment: The NTHL1 p.Gln230* variant was not identified in the literature nor was it identified in ClinVar, Cosmic, MutDB and LOVD 3.0. The variant was identified in dbSNP (ID: rs146347092) and in control databases in 47 of 278770 chromosomes at a frequency of 0.000169 (Genome Aggregation Database Feb 27, 2017). The variant was observed in the following populations: African in 13 of 24718 chromosomes (freq: 0.000526), Other in 2 of 7166 chromosomes (freq: 0.000279), European (non-Finnish) in 26 of 126996 chromosomes (freq: 0.000205), Latino in 5 of 35384 chromosomes (freq: 0.000141) and South Asian in 1 of 30592 chromosomes (freq: 0.000033); it was not observed in the Ashkenazi Jewish, East Asian and European (Finnish) populations. The c.688C>T variant leads to a premature stop codon at position 230 which is predicted to lead to a truncated or absent protein and loss of function. However, the variant occurs within the last exon of the gene (within 50 basepairs of the last exon-intron junction boundary) and therefore may not lead to a significant impact on the function of the protein due to the potential for absent nonsense mediated RNA decay related mechanisms. The p.Gln230 residue is highly conserved in mammals and other organisms. MutationTaster predicts an impact to the protein. However, this information is not predictive enough to assume pathogenicity. In summary, based on the above information the clinical significance of this variant cannot be determined with certainty at this time. This variant is classified as a variant of uncertain significance.

NM_002528.7(NTHL1):c.859C>T (p.Pro287Ser)

Gene: NTHL1 (nth like DNA glycosylase 1; minus strand). Cytogenetic location: 16p13.3.
Variant type: single nucleotide variant.
Coding change: c.859C>T on transcript NM_002528.7 (MANE Select); coding-DNA position 859, C replaced by T.
Protein change: p.Pro287Ser; replaces proline 287 with serine.
Molecular consequence: missense variant.
Genome position (GRCh38, 1-based): chr16:2,039,980, G>A on the plus strand (C>T on the coding strand, the complement: NTHL1 is on the minus strand). VCF-style: chr16-2039980-G-A. GRCh37 (hg19) VCF-style: chr16-2089981-G-A.
Other names: c.688C>T, p.Pro230Ser (NM_001318193.2); c.529C>T, p.Pro177Ser (NM_001318194.2); short protein forms P177S, P230S, P287S.
Identifiers: ClinVar variation 846306 (VCV000846306.2), dbSNP rs1372041658, ClinGen allele CA394287193.